The following is an entry in ClinVar:

NM_013352.4(DSE):c.182C>A (p.Ala61Asp)

Gene: DSE (dermatan sulfate epimerase; plus strand). Cytogenetic location: 6q22.1.
Variant type: single nucleotide variant.
Coding change: c.182C>A on transcript NM_013352.4 (MANE Select); coding-DNA position 182, C replaced by A.
Protein change: p.Ala61Asp; replaces alanine 61 with aspartic acid.
Molecular consequence: missense variant. On other transcripts: 5 prime UTR variant (4), non-coding transcript variant (1).
Genome position (GRCh38, 1-based): chr6:116,399,432, C>A. VCF-style: chr6-116399432-C-A. GRCh37 (hg19) VCF-style: chr6-116720595-C-A.
Other names: c.182C>A, p.Ala61Asp (NM_001080976.3, NM_001322937.2, NM_001322938.2 and 3 more transcripts); c.239C>A, p.Ala80Asp (NM_001322939.2); c.-376C>A (NM_001322940.2, NM_001322941.2); c.-719C>A (NM_001374520.1); c.-406C>A (NM_001374521.1); short protein forms A80D, A61D.
Identifiers: ClinVar variation 1354277 (VCV001354277.6), dbSNP rs2114995025, ClinGen allele CA365534232.

ClinVar aggregate classification (germline): Uncertain significance (1 of 4 stars; one submission).

Conditions:
Ehlers-Danlos syndrome, musculocontractural type 2 (EDSMC2). Identifiers: Orphanet 2953, MedGen C3809845, MONDO:0014236, OMIM 615539.

Submission:

Labcorp Genetics (formerly Invitae), Labcorp
Classification: Uncertain significance for Ehlers-Danlos syndrome, musculocontractural type 2. Last evaluated: 2021-11-29. Review status: criteria provided, single submitter. Criteria: Invitae Variant Classification Sherloc (09022015). Collection method: clinical testing. Allele origin: germline.
Comment: In summary, the available evidence is currently insufficient to determine the role of this variant in disease. Therefore, it has been classified as a Variant of Uncertain Significance. Algorithms developed to predict the effect of missense changes on protein structure and function are either unavailable or do not agree on the potential impact of this missense change (SIFT: "Not Available"; PolyPhen-2: "Benign"; Align-GVGD: "Not Available"). This variant has not been reported in the literature in individuals affected with DSE-related conditions. This variant is not present in population databases (gnomAD no frequency). This sequence change replaces alanine, which is neutral and non-polar, with aspartic acid, which is acidic and polar, at codon 61 of the DSE protein (p.Ala61Asp).